The following is an entry in ClinVar:

NM_003803.4(MYOM1):c.1576A>C (p.Ile526Leu)

Gene: MYOM1 (myomesin 1; minus strand). Cytogenetic location: 18p11.31.
Variant type: single nucleotide variant.
Coding change: c.1576A>C on transcript NM_003803.4 (MANE Select); coding-DNA position 1576, A replaced by C.
Protein change: p.Ile526Leu; replaces isoleucine 526 with leucine.
Molecular consequence: missense variant.
Genome position (GRCh38, 1-based): chr18:3,155,014, T>G on the plus strand (A>C on the coding strand, the complement: MYOM1 is on the minus strand). VCF-style: chr18-3155014-T-G. GRCh37 (hg19) VCF-style: chr18-3155012-T-G.
Other names: c.1576A>C, p.Ile526Leu (NM_019856.2); short protein forms I526L.
Identifiers: ClinVar variation 3632043 (VCV003632043.2).
Genomic context (GRCh38, chr18:3,155,014, plus strand): 5'-TAAAATATCCGAGAATAGGACTCCCTCCATCGACAGCTGGCTGTTTCCAGGAGATGATGA[T>G]ATAATCTTTGTTGGCCTCCAAGCACTTCACATCCAAGGGAGCAGCTGGGGCTCCTTCAAT-3'
Protein context (NP_003794.3, residues 516-536): VKCLEANKDY[Ile526Leu]IISWKQPAVD

ClinVar aggregate classification (germline): Uncertain significance (1 of 4 stars; one submission).

Conditions:
Hypertrophic cardiomyopathy. Also called: HYPERTROPHIC MYOCARDIOPATHY. Identifiers: Orphanet 217569, MedGen C0007194, MeSH D002312, MONDO:0005045, HP:0001639.

gnomAD v4.1: 1 of 1,613,466 alleles (0.000062%); highest among the groups gnomAD compares: African/African-American, 0.0013%; no homozygotes.

Submission:

Labcorp Genetics (formerly Invitae), Labcorp
Classification: Uncertain significance for Hypertrophic cardiomyopathy. Last evaluated: 2024-02-14. Review status: criteria provided, single submitter. Criteria: Invitae Variant Classification Sherloc (09022015). Collection method: clinical testing. Allele origin: germline.
Comment: This sequence change replaces isoleucine, which is neutral and non-polar, with leucine, which is neutral and non-polar, at codon 526 of the MYOM1 protein (p.Ile526Leu). This variant is not present in population databases (gnomAD no frequency). This variant has not been reported in the literature in individuals affected with MYOM1-related conditions. Advanced modeling of protein sequence and biophysical properties (such as structural, functional, and spatial information, amino acid conservation, physicochemical variation, residue mobility, and thermodynamic stability) performed at Invitae indicates that this missense variant is not expected to disrupt MYOM1 protein function with a negative predictive value of 80%. In summary, the available evidence is currently insufficient to determine the role of this variant in disease. Therefore, it has been classified as a Variant of Uncertain Significance.